The following is an entry in ClinVar:

NM_001003800.2(BICD2):c.2218G>A (p.Ala740Thr)

Gene: BICD2 (BICD cargo adaptor 2; minus strand). Cytogenetic location: 9q22.31.
Variant type: single nucleotide variant.
Coding change: c.2218G>A on transcript NM_001003800.2 (MANE Select); coding-DNA position 2218, G replaced by A.
Protein change: p.Ala740Thr; replaces alanine 740 with threonine.
Molecular consequence: missense variant.
Genome position (GRCh38, 1-based): chr9:92,717,837, C>T on the plus strand (G>A on the coding strand, the complement: BICD2 is on the minus strand). VCF-style: chr9-92717837-C-T. GRCh37 (hg19) VCF-style: chr9-95480119-C-T.
Other names: c.2218G>A, p.Ala740Thr (NM_015250.4); short protein forms A740T.
Identifiers: ClinVar variation 970782 (VCV000970782.10), dbSNP rs1210812038, ClinGen allele CA374032433.

ClinVar aggregate classification (germline): Uncertain significance (1 of 4 stars; one submission).

Conditions:
Autosomal dominant childhood-onset proximal spinal muscular atrophy with contractures (SMALED2A). Also called: SPINAL MUSCULAR ATROPHY, LOWER EXTREMITY-PREDOMINANT, 2A, CHILDHOOD ONSET, AUTOSOMAL DOMINANT; Spinal muscular atrophy, lower extremity-predominant, 2A, autosomal dominant. Identifiers: Orphanet 363447, Orphanet 363454, MedGen C4747715, MONDO:0014121, OMIM 615290.

Allele frequency attached by ClinVar (database versions not stated): gnomAD 0.00001; TOPMed 0.00001.

Submission:

Labcorp Genetics (formerly Invitae), Labcorp
Classification: Uncertain significance for Autosomal dominant childhood-onset proximal spinal muscular atrophy with contractures. Last evaluated: 2025-01-23. Review status: criteria provided, single submitter. Criteria: Invitae Variant Classification Sherloc (09022015). Collection method: clinical testing. Allele origin: germline.
Comment: This sequence change replaces alanine, which is neutral and non-polar, with threonine, which is neutral and polar, at codon 740 of the BICD2 protein (p.Ala740Thr). This variant is not present in population databases (gnomAD no frequency). This variant has not been reported in the literature in individuals affected with BICD2-related conditions. ClinVar contains an entry for this variant (Variation ID: 970782). Invitae Evidence Modeling of protein sequence and biophysical properties (such as structural, functional, and spatial information, amino acid conservation, physicochemical variation, residue mobility, and thermodynamic stability) indicates that this missense variant is expected to disrupt BICD2 protein function with a positive predictive value of 80%. In summary, the available evidence is currently insufficient to determine the role of this variant in disease. Therefore, it has been classified as a Variant of Uncertain Significance.